The following is an entry in ClinVar:

ClinVar aggregate classification (germline): Uncertain significance (1 of 4 stars; one submission).

Conditions:
TNF receptor-associated periodic fever syndrome (TRAPS) (FPF). Also called: FAMILIAL HIBERNIAN FEVER; TNF RECEPTOR-ASSOCIATED PERIODIC SYNDROME; TUMOR NECROSIS FACTOR RECEPTOR-ASSOCIATED PERIODIC SYNDROME; TNF receptor 1-associated periodic fever syndrome; Autosomal Dominant Familial Periodic Fever; TNF Receptor-Associated Periodic Fever Syndrome. Identifiers: Orphanet 32960, MedGen C1275126, MONDO:0007727, OMIM 142680.

Submission:

Labcorp Genetics (formerly Invitae), Labcorp
Classification: Uncertain significance for TNF receptor-associated periodic fever syndrome (TRAPS). Last evaluated: 2022-06-02. Review status: criteria provided, single submitter. Criteria: Invitae Variant Classification Sherloc (09022015). Collection method: clinical testing. Allele origin: germline.
Comment: In summary, the available evidence is currently insufficient to determine the role of this variant in disease. Therefore, it has been classified as a Variant of Uncertain Significance. This variant has not been reported in the literature in individuals affected with TNFRSF1A-related conditions. This variant is not present in population databases (gnomAD no frequency). This sequence change creates a premature translational stop signal (p.Gly302Argfs*2) in the TNFRSF1A gene. It is expected to result in an absent or disrupted protein product. However, the current clinical and genetic evidence is not sufficient to establish whether loss-of-function variants in TNFRSF1A cause disease.

NM_001065.4(TNFRSF1A):c.903dup (p.Gly302fs)

Gene: TNFRSF1A (TNF receptor superfamily member 1A; minus strand). Cytogenetic location: 12p13.31.
Variant type: Duplication.
Coding change: c.903dup on transcript NM_001065.4 (MANE Select); coding-DNA position 903, one base duplicated (C; older notation c.903dupC).
Protein change: p.Gly302fs; shifts the reading frame from glycine 302.
Molecular consequence: frameshift variant. On other transcripts: non-coding transcript variant (1).
Genome position (GRCh38, 1-based): chr12:6,329,932, G duplicated on the plus strand (C on the coding strand, the reverse complement: TNFRSF1A is on the minus strand); the first of 5 consecutive G bases (chr12:6,329,932-6,329,936); duplicating any one gives the same sequence. VCF-style (leftmost placement, unchanged base first): chr12-6329931-C-CG. GRCh37 (hg19) VCF-style: chr12-6439097-C-CG.
Other names: c.579dup, p.Gly194fs (NM_001346091.2); c.444dup, p.Gly149fs (NM_001346092.2); short protein forms G149fs, G194fs, G302fs.
Identifiers: ClinVar variation 2128840 (VCV002128840.4), dbSNP rs2497788056, ClinGen allele CA2580086243.